The following is an entry in ClinVar:

NM_183075.3(CYP2U1):c.126C>G (p.Leu42=)

Genes: CYP2U1 (cytochrome P450 family 2 subfamily U member 1; plus strand), CYP2U1-AS1 (CYP2U1 and SGMS2 antisense RNA 1; minus strand). Cytogenetic location: 4q25.
Variant type: single nucleotide variant.
Coding change: c.126C>G on transcript NM_183075.3 (MANE Select); coding-DNA position 126, C replaced by G.
Protein change: p.Leu42=; no amino-acid change (leucine 42 retained).
Molecular consequence: synonymous variant.
Genome position (GRCh38, 1-based): chr4:107,931,769, C>G. VCF-style: chr4-107931769-C-G. GRCh37 (hg19) VCF-style: chr4-108852925-C-G.
Identifiers: ClinVar variation 2655013 (VCV002655013.24), dbSNP rs772721415, ClinGen allele CA102859649.

ClinVar aggregate classification (germline): Likely benign (1 of 4 stars; one submission).

gnomAD v4.1: 6 of 1,487,196 alleles (0.0004%); highest among the groups gnomAD compares: Non-Finnish European, 0.00053%; no homozygotes.

Submission:

CeGaT Center for Human Genetics Tuebingen
Classification: Likely benign. Last evaluated: 2022-04-01. Review status: criteria provided, single submitter. Criteria: CeGaT Center For Human Genetics Tuebingen Variant Classification Criteria Version 2. Collection method: clinical testing. Allele origin: germline. Affected: yes. Observed: 1 variant allele.
Comment: CYP2U1: PM2:Supporting, BP4, BP7